The following is an entry in ClinVar:

ClinVar aggregate classification (germline): Likely pathogenic (1 of 4 stars; one submission).

Conditions:
FLT4-related disorder. Also called: FLT4-related condition.

Submission:

PreventionGenetics, part of Exact Sciences
Classification: Likely pathogenic for FLT4-related condition. Last evaluated: 2026-09-16. Review status: criteria provided, single submitter. Criteria: ACMG Guidelines, 2015. Collection method: clinical testing. Allele origin: germline.
Comment: The FLT4 c.2560G>C variant is predicted to result in the amino acid substitution p.Gly854Arg. This variant, located in the TK I domain, has been reported in two individuals and segregated with lymphedema (Connell et al. 2009. PubMed ID: 19002718). This variant has not been reported in a large population database (gnomAD), indicating this variant is rare. An alternate missense at the same amino acid position, p.Gly854Ser, has been reported in individuals with primary lymphedema (Evans et al. 2007. PubMed ID: 12960217; Michelini et al. 2016. PubMed ID: 29906362; Zhai et al. 2025. PubMed ID: 41328432). This variant is interpreted as likely pathogenic.

NM_182925.5(FLT4):c.2560G>C (p.Gly854Arg)

Gene: FLT4 (fms related receptor tyrosine kinase 4; minus strand). Cytogenetic location: 5q35.3.
Variant type: single nucleotide variant.
Coding change: c.2560G>C on transcript NM_182925.5 (MANE Select); coding-DNA position 2560, G replaced by C.
Protein change: p.Gly854Arg; replaces glycine 854 with arginine.
Molecular consequence: missense variant.
Genome position (GRCh38, 1-based): chr5:180,619,752, C>G on the plus strand (G>C on the coding strand, the complement: FLT4 is on the minus strand). VCF-style: chr5-180619752-C-G. GRCh37 (hg19) VCF-style: chr5-180046752-C-G.
Other names: c.2560G>C, p.Gly854Arg (NM_001354989.2, NM_002020.5); short protein forms G854R.
Identifiers: ClinVar variation 4984685 (VCV004984685.1).